The following is an entry in ClinVar:

ClinVar aggregate classification (germline): Uncertain significance (1 of 4 stars; one submission).

Conditions:
Cardiovascular phenotype. Identifiers: MedGen CN230736.

Submission:

Ambry Genetics
Classification: Uncertain significance for Cardiovascular phenotype. Last evaluated: 2022-06-22. Review status: criteria provided, single submitter. Criteria: Ambry Variant Classification Scheme 2023. Collection method: clinical testing. Allele origin: germline.
Comment: The p.C1386R variant (also known as c.4156T>C), located in coding exon 2 of the ZNF469 gene, results from a T to C substitution at nucleotide position 4156. The cysteine at codon 1386 is replaced by arginine, an amino acid with highly dissimilar properties. This amino acid position is conserved. In addition, this alteration is predicted to be tolerated by in silico analysis. Since supporting evidence is limited at this time, the clinical significance of this alteration remains unclear.

NM_001367624.2(ZNF469):c.4240T>C (p.Cys1414Arg)

Gene: ZNF469 (zinc finger protein 469; plus strand). Cytogenetic location: 16q24.2.
Variant type: single nucleotide variant.
Coding change: c.4240T>C on transcript NM_001367624.2 (MANE Select); coding-DNA position 4240, T replaced by C.
Protein change: p.Cys1414Arg; replaces cysteine 1414 with arginine.
Molecular consequence: missense variant.
Genome position (GRCh38, 1-based): chr16:88,431,710, T>C. VCF-style: chr16-88431710-T-C. GRCh37 (hg19) VCF-style: chr16-88498118-T-C.
Other names: NM_001127464.1:c.4156T>C; short protein forms C1414R.
Identifiers: ClinVar variation 1738297 (VCV001738297.2), dbSNP rs2507586774, ClinGen allele CA397090439.